The following is an entry in ClinVar:

ClinVar aggregate classification (germline): Uncertain significance (1 of 4 stars; one submission).

gnomAD v4.1: 3 of 1,614,220 alleles (0.00019%); highest among the groups gnomAD compares: Non-Finnish European, 0.00025%; no homozygotes.

Submission:

Ambry Genetics
Classification: Uncertain significance. Last evaluated: 2025-05-15. Review status: criteria provided, single submitter. Criteria: Ambry Variant Classification Scheme 2023. Collection method: clinical testing. Allele origin: germline.
Comment: The p.K211R variant (also known as c.632A>G), located in coding exon 1 of the CDK12 gene, results from an A to G substitution at nucleotide position 632. The lysine at codon 211 is replaced by arginine, an amino acid with highly similar properties. This amino acid position is conserved. In addition, this alteration is predicted to be tolerated by in silico analysis. Based on the available evidence, the clinical significance of this variant remains unclear.

NM_016507.4(CDK12):c.632A>G (p.Lys211Arg)

Genes: CDK12 (cyclin dependent kinase 12; plus strand), LOC126862553 (CDK7 strongly-dependent group 2 enhancer GRCh37_chr17:37618166-37619365; plus strand). Cytogenetic location: 17q12.
Variant type: single nucleotide variant.
Coding change: c.632A>G on transcript NM_016507.4 (MANE Select); coding-DNA position 632, A replaced by G.
Protein change: p.Lys211Arg; replaces lysine 211 with arginine.
Molecular consequence: missense variant.
Genome position (GRCh38, 1-based): chr17:39,462,703, A>G. VCF-style: chr17-39462703-A-G. GRCh37 (hg19) VCF-style: chr17-37618956-A-G.
Other names: c.632A>G, p.Lys211Arg (NM_015083.4); short protein forms K211R.
Identifiers: ClinVar variation 3999453 (VCV003999453.1).